The following is an entry in ClinVar:

NM_080680.3(COL11A2):c.1305G>A (p.Gly435=)

Gene: COL11A2 (collagen type XI alpha 2 chain; minus strand). Cytogenetic location: 6p21.32.
Variant type: single nucleotide variant.
Coding change: c.1305G>A on transcript NM_080680.3 (MANE Select); coding-DNA position 1305, G replaced by A.
Protein change: p.Gly435=; no amino-acid change (glycine 435 retained).
Molecular consequence: synonymous variant.
Genome position (GRCh38, 1-based): chr6:33,180,312, C>T on the plus strand (G>A on the coding strand, the complement: COL11A2 is on the minus strand). VCF-style: chr6-33180312-C-T. GRCh37 (hg19) VCF-style: chr6-33148089-C-T.
Other names: c.984G>A, p.Gly328= (NM_080679.3); c.1047G>A, p.Gly349= (NM_080681.3); c.1305G>A (NM_080680.2); c.1125G>A, p.Gly375= (NM_001424108.1); c.459G>A, p.Gly153= (NM_001424109.1); c.279G>A, p.Gly93= (NM_001424110.1, NM_001424111.1).
Identifiers: ClinVar variation 2902322 (VCV002902322.4), dbSNP rs765086657, ClinGen allele CA3751385.

ClinVar aggregate classification (germline): Likely benign. Review status: criteria provided, multiple submitters, no conflicts (2 of 4 stars). 2 submissions from 2 submitters: Likely benign (2). Last evaluated 2026-03-04.

Conditions:
COL11A2-related disorder. Also called: COL11A2-related condition; COL11A2-related disorders.

Allele frequency attached by ClinVar (database versions not stated): gnomAD exomes 0.00001.
gnomAD v4.1: 14 of 1,612,712 alleles (0.00087%); highest among the groups gnomAD compares: Admixed American, 0.0017%; no homozygotes.

Submissions (2):

PreventionGenetics, part of Exact Sciences
Classification: Likely benign for COL11A2-related condition. Last evaluated: 2026-03-04. Review status: criteria provided, single submitter. Criteria: ACMG Guidelines, 2015. Collection method: clinical testing. Allele origin: germline.
Comment: This variant is classified as likely benign based on ACMG/AMP sequence variant interpretation guidelines (Richards et al. 2015 PMID: 25741868, with internal and published modifications).

Labcorp Genetics (formerly Invitae), Labcorp
Classification: Likely benign. Last evaluated: 2025-09-11. Review status: criteria provided, single submitter. Criteria: Invitae Variant Classification Sherloc (09022015). Collection method: clinical testing. Allele origin: germline.